The following is an entry in ClinVar:

ClinVar aggregate classification (germline): Uncertain significance (1 of 4 stars; one submission).

Conditions:
Nephronophthisis 15 (NPHP15). Identifiers: Orphanet 3156, MedGen C3541853, MONDO:0013917, OMIM 614845.

Allele frequency attached by ClinVar (database versions not stated): gnomAD exomes below 0.00001.
gnomAD v4.1: 3 of 1,614,106 alleles (0.00019%); highest among the groups gnomAD compares: South Asian, 0.0033%; no homozygotes.

Submission:

Labcorp Genetics (formerly Invitae), Labcorp
Classification: Uncertain significance for Nephronophthisis 15. Last evaluated: 2022-01-27. Review status: criteria provided, single submitter. Criteria: Invitae Variant Classification Sherloc (09022015). Collection method: clinical testing. Allele origin: germline.
Comment: In summary, the available evidence is currently insufficient to determine the role of this variant in disease. Therefore, it has been classified as a Variant of Uncertain Significance. Algorithms developed to predict the effect of missense changes on protein structure and function (SIFT, PolyPhen-2, Align-GVGD) all suggest that this variant is likely to be tolerated. This variant has not been reported in the literature in individuals affected with CEP164-related conditions. This variant is present in population databases (no rsID available, gnomAD 0.003%). This sequence change replaces glutamic acid, which is acidic and polar, with glutamine, which is neutral and polar, at codon 911 of the CEP164 protein (p.Glu911Gln).

NM_014956.5(CEP164):c.2731G>C (p.Glu911Gln)

Gene: CEP164 (centrosomal protein 164; plus strand). Cytogenetic location: 11q23.3.
Variant type: single nucleotide variant.
Coding change: c.2731G>C on transcript NM_014956.5 (MANE Select); coding-DNA position 2731, G replaced by C.
Protein change: p.Glu911Gln; replaces glutamic acid 911 with glutamine.
Molecular consequence: missense variant.
Genome position (GRCh38, 1-based): chr11:117,394,464, G>C. VCF-style: chr11-117394464-G-C. GRCh37 (hg19) VCF-style: chr11-117265180-G-C.
Other names: c.2740G>C, p.Glu914Gln (NM_001271933.2); short protein forms E911Q, E914Q.
Identifiers: ClinVar variation 2079665 (VCV002079665.4), dbSNP rs1419758833, ClinGen allele CA382728582.